The following is an entry in ClinVar:

ClinVar aggregate classification (germline): Pathogenic. Review status: criteria provided, multiple submitters, no conflicts (2 of 4 stars). 8 submissions from 8 submitters: Pathogenic (8). Last evaluated 2025-08-11.

Conditions:
Hermansky-Pudlak syndrome 3 (HPS3). Identifiers: Orphanet 231512, Orphanet 79430, MedGen C3888001, MONDO:0013555, OMIM 614072.
Hermansky-Pudlak syndrome (HPS). Also called: ALBINISM WITH HEMORRHAGIC DIATHESIS AND PIGMENTED RETICULOENDOTHELIAL CELLS. Identifiers: Orphanet 79430, MedGen C0079504, MONDO:0019312.
HPS3-related disorders.

Allele frequency attached by ClinVar (database versions not stated): gnomAD exomes below 0.00001; ExAC 0.00001.
gnomAD v4.1: 6 of 1,602,714 alleles (0.00037%); highest among the groups gnomAD compares: Non-Finnish European, 0.00042%; no homozygotes.

Submissions (8):

Myriad Genetics, Inc.
Classification: Pathogenic for Hermansky-Pudlak syndrome 3. Last evaluated: 2025-08-11. Review status: criteria provided, single submitter. Criteria: Myriad Autosomal Dominant, Autosomal Recessive and X-Linked Classification Criteria (2023). Collection method: clinical testing. Allele origin: unknown.
Comment: NM_032383.3(HPS3):c.15C>G(Y5*) is a nonsense variant classified as pathogenic in the context of Hermansky-Pudlak syndrome, HPS3-related. Y5* has been observed in cases with relevant disease (PMID: 35886065, 31898847, 31064749). Relevant functional assessments of this variant are not available in the literature. Y5* has been observed in referenced population frequency databases. In summary, NM_032383.3(HPS3):c.15C>G(Y5*) is a nonsense variant in a gene where loss of function is a known mechanism of disease, is predicted to disrupt protein function, and has been observed more frequently in cases with the relevant disease than in healthy populations. Please note: this variant was assessed in the context of healthy population screening.

Natera, Inc.
Classification: Pathogenic for Hermansky-Pudlak syndrome. Last evaluated: 2025-03-13. Review status: criteria provided, single submitter. Criteria: Natera Variant Classification Schema (03/2026). Collection method: clinical testing. Allele origin: germline.
Comment: The c.15C>G variant in HPS3 is a nonsense variant predicted to introduce a stop codon at amino acid 5. This variant is expected to result in nonsense mediated decay, truncation, or a dysfunctional protein product. This variant is rare in the general population with a frequency below the threshold expected for the associated phenotype(s). This variant has been observed in one or more individuals affected with the associated recessive disease, as either homozygous or compound heterozygous with a second variant (PMID: 31898847). Given the available evidence, this variant is classified as Pathogenic.

Baylor Genetics
Classification: Pathogenic for Hermansky-Pudlak syndrome 3. Last evaluated: 2024-03-30. Review status: criteria provided, single submitter. Criteria: ACMG Guidelines, 2015. Collection method: clinical testing. Allele origin: unknown.

Division of Genetic & Genomic Pathology, Hong Kong Children's Hospital
Classification: Pathogenic for Hermansky-Pudlak syndrome. Last evaluated: 2024-03-11. Review status: criteria provided, single submitter. Criteria: ACMG Guidelines, 2015. Collection method: clinical testing. Allele origin: germline. Affected: yes.
Comment: The HPS3 c.15C>G p.(Tyr5*) nonsense variant is located in exon 1 out of 17 exons of the HPS3 gene. It is predicted to cause loss of normal protein function either by protein truncation or nonsense-mediated mRNA decay. This variant is present at a very low frequency in gnomAD v4.0.0 (total 6 in 1,450,406 alleles). It has been reported to be pathogenic in ClinVar database (VCV000627248.5). It has been reported in two patients with Hermansky-Pudlak Syndrome, in trans with nonsense variants (PMID: 31898847, 35886065). For these reasons, this variant is classified as pathogenic. This variant was inherited in trans with a frameshift variant.

Labcorp Genetics (formerly Invitae), Labcorp
Classification: Pathogenic. Last evaluated: 2024-02-15. Review status: criteria provided, single submitter. Criteria: Invitae Variant Classification Sherloc (09022015). Collection method: clinical testing. Allele origin: germline.
Comment: This sequence change creates a premature translational stop signal (p.Tyr5*) in the HPS3 gene. It is expected to result in an absent or disrupted protein product. Loss-of-function variants in HPS3 are known to be pathogenic (PMID: 11590544). This variant is present in population databases (rs753185316, gnomAD 0.001%). This premature translational stop signal has been observed in individual(s) with Hermansky–Pudlak syndrome (PMID: 31898847). ClinVar contains an entry for this variant (Variation ID: 627248). For these reasons, this variant has been classified as Pathogenic.

Women's Health and Genetics/Laboratory Corporation of America, LabCorp
Classification: Pathogenic for Hermansky-Pudlak syndrome. Last evaluated: 2022-12-12. Review status: criteria provided, single submitter. Criteria: LabCorp Variant Classification Summary - May 2015. Collection method: clinical testing. Allele origin: germline.
Comment: Variant summary: HPS3 c.15C>G (p.Tyr5X) results in a premature termination codon, predicted to cause a truncation of the encoded protein or absence of the protein due to nonsense mediated decay, which are commonly known mechanisms for disease. Truncations downstream of this position have been classified as pathogenic in Clinvar and associated with Hermansky-Pudlak syndrome in HGMD. The variant allele was found at a frequency of 4.3e-06 in 230734 control chromosomes. c.15C>G has been reported in the literature in individuals affected with bleeding/thrombotic/platelet disorders (e.g. Downes_2019) and with Hermansky-Pudlak Syndrome (e.g. Huizing_2020, Chen_2022). To our knowledge, no experimental evidence demonstrating an impact on protein function has been reported. Two ClinVar submitters (evaluation after 2014) have classified the variant as pathogenic. Based on the evidence outlined above, the variant was classified as pathogenic.

Blueprint Genetics
Classification: Pathogenic for HPS3-related disorders. Last evaluated: 2021-10-28. Review status: criteria provided, single submitter. Criteria: ACMG Guidelines, 2015. Collection method: clinical testing. Allele origin: germline. Affected: yes. Observed: 1 variant allele.

NIHR Bioresource Rare Diseases, University of Cambridge
Classification: Pathogenic for Hermansky-Pudlak syndrome. Last evaluated: 2019-02-01. Review status: criteria provided, single submitter. Criteria: ACMG Guidelines, 2015. Collection method: research. Allele origin: unknown. Affected: yes. Observed: 1 compound heterozygote. Study: ThromboGenomics.

Literature cited by the submitters: PubMed 31064749 (cited by 3 submitters); PubMed 31898847 (cited by 5 submitters); PubMed 35886065 (cited by 3 submitters); PubMed 11590544 (cited by Labcorp Genetics (formerly Invitae), Labcorp).

NM_032383.5(HPS3):c.15C>G (p.Tyr5Ter)

Gene: HPS3 (HPS3 biogenesis of lysosomal organelles complex 2 subunit 1; plus strand). Cytogenetic location: 3q24.
Variant type: single nucleotide variant.
Coding change: c.15C>G on transcript NM_032383.5 (MANE Select); coding-DNA position 15, C replaced by G.
Protein change: p.Tyr5Ter; replaces tyrosine 5 with a stop codon.
Molecular consequence: nonsense.
Genome position (GRCh38, 1-based): chr3:149,129,738, C>G. VCF-style: chr3-149129738-C-G. GRCh37 (hg19) VCF-style: chr3-148847525-C-G.
Other names: c.15C>G, p.Tyr5Ter (NM_001308258.2); short protein forms Y5*.
Identifiers: ClinVar variation 627248 (VCV000627248.13), dbSNP rs753185316, ClinGen allele CA2659696.
Genomic context (GRCh38, chr3:149,129,738, plus strand): 5'-GCGCCCTGCAGGGCGGGCAGGCTGTGCCATCCCGCCGGACGTCGGGATGGTGCAGCTGTA[C>G]AACCTGCACCCGTTCGGGTCGCAGCAGGTGGTGCCCTGCAAGCTGGAGCCGGACCGGTTC-3'